The following is an entry in ClinVar:

ClinVar aggregate classification (germline): Uncertain significance (1 of 4 stars; one submission).

Conditions:
Cardiovascular phenotype. Identifiers: MedGen CN230736.

gnomAD v4.1: 6 of 1,611,966 alleles (0.00037%); highest among the groups gnomAD compares: East Asian, 0.0022%; no homozygotes.

Submission:

Ambry Genetics
Classification: Uncertain significance for Cardiovascular phenotype. Last evaluated: 2025-05-03. Review status: criteria provided, single submitter. Criteria: Ambry Variant Classification Scheme 2023. Collection method: clinical testing. Allele origin: germline.
Comment: The p.E173D variant (also known as c.519G>C), located in coding exon 5 of the TECRL gene, results from a G to C substitution at nucleotide position 519. The glutamic acid at codon 173 is replaced by aspartic acid, an amino acid with highly similar properties. This amino acid position is conserved. In addition, this alteration is predicted to be tolerated by in silico analysis. Based on the available evidence, the clinical significance of this variant remains unclear.

NM_001010874.5(TECRL):c.519G>C (p.Glu173Asp)

Gene: TECRL (trans-2,3-enoyl-CoA reductase like; minus strand). Cytogenetic location: 4q13.1.
Variant type: single nucleotide variant.
Coding change: c.519G>C on transcript NM_001010874.5 (MANE Select); coding-DNA position 519, G replaced by C.
Protein change: p.Glu173Asp; replaces glutamic acid 173 with aspartic acid.
Molecular consequence: missense variant.
Genome position (GRCh38, 1-based): chr4:64,314,680, C>G on the plus strand (G>C on the coding strand, the complement: TECRL is on the minus strand). VCF-style: chr4-64314680-C-G. GRCh37 (hg19) VCF-style: chr4-65180398-C-G.
Other names: c.519G>C, p.Glu173Asp (NM_001363796.1); short protein forms E173D.
Identifiers: ClinVar variation 3966920 (VCV003966920.1).